The following is an entry in ClinVar:

NM_001130823.3(DNMT1):c.3116+3C>G

Gene: DNMT1 (DNA methyltransferase 1; minus strand). Cytogenetic location: 19p13.2.
Variant type: single nucleotide variant.
Coding change: c.3116+3C>G on transcript NM_001130823.3 (MANE Select); 3 bases into the intron after coding-DNA position 3116, C replaced by G.
Molecular consequence: intron variant.
Genome position (GRCh38, 1-based): chr19:10,143,763, G>C on the plus strand (C>G on the coding strand, the complement: DNMT1 is on the minus strand). VCF-style: chr19-10143763-G-C. GRCh37 (hg19) VCF-style: chr19-10254439-G-C.
Other names: c.3116+3C>G (LRG_362t1); c.2753+3C>G (NM_001318731.2); c.3068+3C>G (NM_001379.4, NM_001318730.2).
Identifiers: ClinVar variation 641193 (VCV000641193.6), dbSNP rs1599351879, ClinGen allele CA915952544.

ClinVar aggregate classification (germline): Uncertain significance (1 of 4 stars; one submission).

Conditions:
Hereditary sensory neuropathy-deafness-dementia syndrome. Also called: Hereditary sensory neuropathy type IE; Hereditary Sensory and Autonomic Neuropathy Type 1E (HSAN1E); HSN IE; NEUROPATHY, HEREDITARY SENSORY, WITH HEARING LOSS AND DEMENTIA. Identifiers: Orphanet 456318, MedGen C3279885, MONDO:0013584, OMIM 614116.

Allele frequency attached by ClinVar (database versions not stated): gnomAD exomes below 0.00001.
gnomAD v4.1: 1 of 1,614,090 alleles (0.000062%); highest among the groups gnomAD compares: African/African-American, 0.0013%; no homozygotes.

Submission:

Labcorp Genetics (formerly Invitae), Labcorp
Classification: Uncertain significance for Hereditary sensory neuropathy-deafness-dementia syndrome. Last evaluated: 2018-10-10. Review status: criteria provided, single submitter. Criteria: Invitae Variant Classification Sherloc (09022015). Collection method: clinical testing. Allele origin: germline.
Comment: In summary, the available evidence is currently insufficient to determine the role of this variant in disease. Therefore, it has been classified as a Variant of Uncertain Significance. Nucleotide substitutions within the consensus splice site are a relatively common cause of aberrant splicing (PMID: 17576681, 9536098). Algorithms developed to predict the effect of sequence changes on RNA splicing suggest that this variant is not likely to affect RNA splicing, but this prediction has not been confirmed by published transcriptional studies. This variant has not been reported in the literature in individuals with DNMT1-related disease. This variant is not present in population databases (ExAC no frequency). This sequence change falls in intron 29 of the DNMT1 gene. It does not directly change the encoded amino acid sequence of the DNMT1 protein, but it affects a nucleotide within the consensus splice site of the intron.

Literature cited by the submitters: PubMed 17576681; PubMed 9536098.